The following is an entry in ClinVar:

NM_002168.4(IDH2):c.676G>A (p.Glu226Lys)

Gene: IDH2 (isocitrate dehydrogenase (NADP(+)) 2; minus strand). Cytogenetic location: 15q26.1.
Variant type: single nucleotide variant.
Coding change: c.676G>A on transcript NM_002168.4 (MANE Select); coding-DNA position 676, G replaced by A.
Protein change: p.Glu226Lys; replaces glutamic acid 226 with lysine.
Molecular consequence: missense variant.
Genome position (GRCh38, 1-based): chr15:90,088,361, C>T on the plus strand (G>A on the coding strand, the complement: IDH2 is on the minus strand). VCF-style: chr15-90088361-C-T. GRCh37 (hg19) VCF-style: chr15-90631593-C-T.
Other names: c.520G>A, p.Glu174Lys (NM_001289910.1); c.286G>A, p.Glu96Lys (NM_001290114.2); short protein forms E174K, E226K, E96K.
Identifiers: ClinVar variation 2167822 (VCV002167822.4), dbSNP rs576407061, ClinGen allele CA7733115.

ClinVar aggregate classification (germline): Uncertain significance (1 of 4 stars; one submission).

Conditions:
D-2-hydroxyglutaric aciduria 2 (D2HGA2). Identifiers: Orphanet 79315, MedGen C3150909, MONDO:0013345, OMIM 613657.

Allele frequency attached by ClinVar (database versions not stated): ExAC 0.00002; gnomAD 0.00003; gnomAD exomes 0.00003; TOPMed 0.00003; 1000 Genomes Project 30x 0.00016; 1000 Genomes Project 0.00020.
gnomAD v4.1: 47 of 1,613,480 alleles (0.0029%); highest among the groups gnomAD compares: African/African-American, 0.0053%; no homozygotes.

Submission:

Labcorp Genetics (formerly Invitae), Labcorp
Classification: Uncertain significance for D-2-hydroxyglutaric aciduria 2. Last evaluated: 2025-07-02. Review status: criteria provided, single submitter. Criteria: Invitae Variant Classification Sherloc (09022015). Collection method: clinical testing. Allele origin: germline.
Comment: This sequence change replaces glutamic acid, which is acidic and polar, with lysine, which is basic and polar, at codon 226 of the IDH2 protein (p.Glu226Lys). This variant is present in population databases (rs576407061, gnomAD 0.01%). This variant has not been reported in the literature in individuals affected with IDH2-related conditions. ClinVar contains an entry for this variant (Variation ID: 2167822). An algorithm developed to predict the effect of missense changes on protein structure and function outputs the following: PolyPhen-2: "Benign". The lysine amino acid residue is found in multiple mammalian species, which suggests that this missense change does not adversely affect protein function. In summary, the available evidence is currently insufficient to determine the role of this variant in disease. Therefore, it has been classified as a Variant of Uncertain Significance.